The following is an entry in ClinVar:

ClinVar aggregate classification (germline): Uncertain significance (1 of 4 stars; one submission).

gnomAD v4.1: 1 of 1,613,448 alleles (0.000062%); no homozygotes.

Submission:

GeneDx
Classification: Uncertain significance. Last evaluated: 2019-09-30. Review status: criteria provided, single submitter. Criteria: GeneDx Variant Classification Process June 2021. Collection method: clinical testing. Allele origin: germline. Affected: yes.
Comment: Not observed in large population cohorts (Lek et al., 2016); In silico analysis, which includes protein predictors and evolutionary conservation, supports a deleterious effect; Has not been previously published as pathogenic or benign to our knowledge

NM_006019.4(TCIRG1):c.1553C>T (p.Pro518Leu)

Gene: TCIRG1 (T cell immune regulator 1, ATPase H+ transporting V0 subunit a3; plus strand). Cytogenetic location: 11q13.2.
Variant type: single nucleotide variant.
Coding change: c.1553C>T on transcript NM_006019.4 (MANE Select); coding-DNA position 1553, C replaced by T.
Protein change: p.Pro518Leu; replaces proline 518 with leucine.
Molecular consequence: missense variant.
Genome position (GRCh38, 1-based): chr11:68,047,971, C>T. VCF-style: chr11-68047971-C-T. GRCh37 (hg19) VCF-style: chr11-67815438-C-T.
Other names: c.659C>T, p.Pro220Leu (NM_001351059.2); c.905C>T, p.Pro302Leu (NM_006053.4); short protein forms P220L, P302L, P518L.
Identifiers: ClinVar variation 1308761 (VCV001308761.2), dbSNP rs2134456332, ClinGen allele CA381584689.